The following is an entry in ClinVar:

ClinVar aggregate classification (germline): Uncertain significance (1 of 4 stars; one submission).

gnomAD v4.1: 1 of 1,537,360 alleles (0.000065%); highest among the groups gnomAD compares: Non-Finnish European, 0.000087%; no homozygotes.

Submission:

GeneDx
Classification: Uncertain significance. Last evaluated: 2024-05-16. Review status: criteria provided, single submitter. Criteria: GeneDx Variant Classification Process June 2021. Collection method: clinical testing. Allele origin: germline. Affected: yes.
Comment: Not observed at significant frequency in large population cohorts (gnomAD); In silico analysis supports that this missense variant has a deleterious effect on protein structure/function; Has not been previously published as pathogenic or benign to our knowledge

NM_001378183.1(PIEZO2):c.1108G>T (p.Asp370Tyr)

Gene: PIEZO2 (piezo type mechanosensitive ion channel component 2; minus strand). Cytogenetic location: 18p11.22.
Variant type: single nucleotide variant.
Coding change: c.1108G>T on transcript NM_001378183.1 (MANE Select); coding-DNA position 1108, G replaced by T.
Protein change: p.Asp370Tyr; replaces aspartic acid 370 with tyrosine.
Molecular consequence: missense variant.
Genome position (GRCh38, 1-based): chr18:10,803,967, C>A on the plus strand (G>T on the coding strand, the complement: PIEZO2 is on the minus strand). VCF-style: chr18-10803967-C-A. GRCh37 (hg19) VCF-style: chr18-10803965-C-A.
Other names: c.1108G>T, p.Asp370Tyr (NM_001410871.1, NM_022068.4); short protein forms D370Y.
Identifiers: ClinVar variation 3378264 (VCV003378264.1).